The following is an entry in ClinVar:

NC_000012.12:g.121641337G>T

Gene: ORAI1 (ORAI calcium release-activated calcium modulator 1; plus strand). Cytogenetic location: 12q24.31.
Variant type: single nucleotide variant.
Molecular consequence: non-coding transcript variant (on NR_186857.1).
Genome position: GRCh38 VCF-style: chr12-121641337-G-T. GRCh37 (hg19) VCF-style: chr12-122079243-G-T.
Identifiers: ClinVar variation 4791280 (VCV004791280.1).
Genomic context (GRCh38, chr12:121,641,337, plus strand): 5'-CGTCATCGGCACGCTGCTCTTCCTAGCTGAGGTGGTGCTGCTCTGCTGGGTCAAGTTCTT[G>T]CCCCTCAAGAAGCAGCCAGGCCAGCCAAGGCCCACCAGCAAGCCCCCCGCCAGTGGCGCA-3'

ClinVar aggregate classification (germline): Uncertain significance (1 of 4 stars; one submission).

Conditions:
Combined immunodeficiency due to ORAI1 deficiency. Also called: IMMUNODEFICIENCY 9. Identifiers: Orphanet 169090, Orphanet 317428, MedGen C2748568, MONDO:0013007, OMIM 612782.
Myopathy, tubular aggregate, 2 (TAM2). Identifiers: MedGen C4014557, MONDO:0014383, OMIM 615883.

Submission:

Labcorp Genetics (formerly Invitae), Labcorp
Classification: Uncertain significance for Myopathy, tubular aggregate, 2; Combined immunodeficiency due to ORAI1 deficiency. Last evaluated: 2025-07-09. Review status: criteria provided, single submitter. Criteria: Invitae Variant Classification Sherloc (09022015). Collection method: clinical testing. Allele origin: germline.
Comment: This sequence change replaces leucine, which is neutral and non-polar, with phenylalanine, which is neutral and non-polar, at codon 200 of the ORAI1 protein (p.Leu200Phe). This variant is present in population databases (rs371339953, gnomAD 0.002%). This variant has not been reported in the literature in individuals affected with ORAI1-related conditions. Experimental studies and prediction algorithms are not available or were not evaluated, and the functional significance of this variant is currently unknown. In summary, the available evidence is currently insufficient to determine the role of this variant in disease. Therefore, it has been classified as a Variant of Uncertain Significance.